The following is an entry in ClinVar:

NM_012479.4(YWHAG):c.279G>C (p.Leu93Phe)

Gene: YWHAG (tyrosine 3-monooxygenase/tryptophan 5-monooxygenase activation protein gamma; minus strand). Cytogenetic location: 7q11.23.
Variant type: single nucleotide variant.
Coding change: c.279G>C on transcript NM_012479.4 (MANE Select); coding-DNA position 279, G replaced by C.
Protein change: p.Leu93Phe; replaces leucine 93 with phenylalanine.
Molecular consequence: missense variant.
Genome position (GRCh38, 1-based): chr7:76,330,042, C>G on the plus strand (G>C on the coding strand, the complement: YWHAG is on the minus strand). VCF-style: chr7-76330042-C-G. GRCh37 (hg19) VCF-style: chr7-75959359-C-G.
Other names: c.279G>C (NM_012479.3); short protein forms L93F.
Identifiers: ClinVar variation 1551683 (VCV001551683.9), dbSNP rs2115588825, ClinGen allele CA367777743.

ClinVar aggregate classification (germline): Uncertain significance. Review status: criteria provided, multiple submitters, no conflicts (2 of 4 stars). 2 submissions from 2 submitters: Uncertain significance (2). Last evaluated 2025-03-01.

Submissions (2):

GeneDx
Classification: Uncertain significance. Last evaluated: 2025-03-01. Review status: criteria provided, single submitter. Criteria: GeneDx Variant Classification Process June 2021. Collection method: clinical testing. Allele origin: germline. Affected: yes.
Comment: Not observed at significant frequency in large population cohorts (gnomAD); In silico analysis supports that this missense variant has a deleterious effect on protein structure/function; Has not been previously published as pathogenic or benign to our knowledge

Labcorp Genetics (formerly Invitae), Labcorp
Classification: Uncertain significance. Last evaluated: 2023-03-02. Review status: criteria provided, single submitter. Criteria: Invitae Variant Classification Sherloc (09022015). Collection method: clinical testing. Allele origin: germline.
Comment: This variant is not present in population databases (gnomAD no frequency). This sequence change replaces leucine, which is neutral and non-polar, with phenylalanine, which is neutral and non-polar, at codon 93 of the YWHAG protein (p.Leu93Phe). This variant has not been reported in the literature in individuals affected with YWHAG-related conditions. ClinVar contains an entry for this variant (Variation ID: 1551683). Advanced modeling of protein sequence and biophysical properties (such as structural, functional, and spatial information, amino acid conservation, physicochemical variation, residue mobility, and thermodynamic stability) performed at Invitae indicates that this missense variant is expected to disrupt YWHAG protein function. In summary, the available evidence is currently insufficient to determine the role of this variant in disease. Therefore, it has been classified as a Variant of Uncertain Significance.